The following is an entry in ClinVar:

ClinVar aggregate classification (germline): Pathogenic (1 of 4 stars; one submission).

Conditions:
Hereditary cancer-predisposing syndrome. Also called: Neoplastic Syndromes, Hereditary; Tumor predisposition; Hereditary neoplastic syndrome; Hereditary Cancer Syndrome. Identifiers: Orphanet 140162, MedGen C0027672, MeSH D009386, MONDO:0015356.
Cardiovascular phenotype. Identifiers: MedGen CN230736.

Submission:

Ambry Genetics
Classification: Pathogenic for Cardiovascular phenotype; Hereditary cancer-predisposing syndrome. Last evaluated: 2019-10-10. Review status: criteria provided, single submitter. Criteria: Ambry Variant Classification Scheme 2023. Collection method: clinical testing. Allele origin: germline.
Comment: The c.706dupC pathogenic mutation, located in coding exon 7 of the NF1 gene, results from a duplication of C at nucleotide position 706, causing a translational frameshift with a predicted alternate stop codon (p.Q236Pfs*6). This alteration is expected to result in loss of function by premature protein truncation or nonsense-mediated mRNA decay. As such, this alteration is interpreted as a disease-causing mutation.

NM_001042492.3(NF1):c.706dup (p.Gln236fs)

Gene: NF1 (neurofibromin 1; plus strand). Cytogenetic location: 17q11.2.
Variant type: Duplication.
Coding change: c.706dup on transcript NM_001042492.3 (MANE Select); coding-DNA position 706, one base duplicated (C; older notation c.706dupC).
Protein change: p.Gln236fs; shifts the reading frame from glutamine 236.
Molecular consequence: frameshift variant.
Genome position (GRCh38, 1-based): chr17:31,181,761, C duplicated; the last of 2 consecutive C bases (chr17:31,181,760-31,181,761); duplicating either gives the same sequence. VCF-style (leftmost placement, unchanged base first): chr17-31181759-A-AC. GRCh37 (hg19) VCF-style: chr17-29508777-A-AC.
Other names: c.706dupC (NM_000267.3); c.706dup, p.Gln236Profs (NM_000267.4); c.706dup, p.Gln236fs (NM_001128147.3); short protein forms Q236fs.
Identifiers: ClinVar variation 826813 (VCV000826813.4), dbSNP rs1597658661, ClinGen allele CA915949760.